The following is an entry in ClinVar:

NM_005228.5(EGFR):c.1580G>A (p.Arg527Gln)

Gene: EGFR (epidermal growth factor receptor; plus strand). Cytogenetic location: 7p11.2.
Variant type: single nucleotide variant.
Coding change: c.1580G>A on transcript NM_005228.5 (MANE Select); coding-DNA position 1580, G replaced by A.
Protein change: p.Arg527Gln; replaces arginine 527 with glutamine.
Molecular consequence: missense variant.
Genome position (GRCh38, 1-based): chr7:55,161,580, G>A. VCF-style: chr7-55161580-G-A. GRCh37 (hg19) VCF-style: chr7-55229273-G-A.
Other names: c.1580G>A, p.Arg527Gln (NM_001346898.2, NM_201282.2, NM_201284.2); c.1445G>A, p.Arg482Gln (NM_001346899.2, NM_001346897.2); c.1421G>A, p.Arg474Gln (NM_001346900.2); c.779G>A, p.Arg260Gln (NM_001346941.2); short protein forms R527Q, R474Q, R482Q, R260Q.
Identifiers: ClinVar variation 134023 (VCV000134023.13), dbSNP rs150477666, ClinGen allele CA158447.

ClinVar aggregate classification (germline): Conflicting classifications of pathogenicity. Review status: criteria provided, conflicting classifications (1 of 4 stars). 5 submissions from 5 submitters: Uncertain significance (1); Benign (1); Likely benign (2). 1 of the submissions does not count toward it. Last evaluated 2026-01-14.

Conditions:
Hereditary cancer-predisposing syndrome. Also called: Tumor predisposition; Hereditary neoplastic syndrome; Neoplastic Syndromes, Hereditary; Hereditary Cancer Syndrome. Identifiers: Orphanet 140162, MedGen C0027672, MeSH D009386, MONDO:0015356.
EGFR-related lung cancer (EGFR). Identifiers: MedGen CN130014.

Allele frequency attached by ClinVar (database versions not stated): gnomAD exomes 0.00013; ExAC 0.00015; gnomAD 0.00031 and 0.00033; TOPMed 0.00038; ESP Exome Variant Server 0.00054.
gnomAD v4.1: 127 of 1,614,164 alleles (0.0079%); highest among the groups gnomAD compares: African/African-American, 0.099%; no homozygotes.

Submissions (5):

Labcorp Genetics (formerly Invitae), Labcorp
Classification: Likely benign for EGFR-related lung cancer. Last evaluated: 2026-01-14. Review status: criteria provided, single submitter. Criteria: Invitae Variant Classification Sherloc (09022015). Collection method: clinical testing. Allele origin: germline.

GeneDx
Classification: Uncertain significance. Last evaluated: 2025-04-28. Review status: criteria provided, single submitter. Criteria: GeneDx Variant Classification Process June 2021. Collection method: clinical testing. Allele origin: germline. Affected: yes.
Comment: In silico analysis indicates that this missense variant does not alter protein structure/function; Has not been previously published as pathogenic or benign to our knowledge

Ambry Genetics
Classification: Benign for Hereditary cancer-predisposing syndrome. Last evaluated: 2024-10-28. Review status: criteria provided, single submitter. Criteria: Ambry Variant Classification Scheme 2023. Collection method: clinical testing. Allele origin: germline.

Sema4
Classification: Likely benign for Hereditary cancer-predisposing syndrome. Last evaluated: 2021-04-23. Review status: criteria provided, single submitter. Criteria: Sema4 Curation Guidelines. Collection method: curation. Allele origin: germline.

ITMI
No classification provided. Condition: AllHighlyPenetrant. Last evaluated: 2013-09-19. Review status: no classification provided. Collection method: reference population. Allele origin: germline. Not counted in ClinVar's aggregate classification.
Comment: Please see associated publication for description of ethnicities

Literature cited by the submitters: PubMed 24728327 (cited by ITMI).